The following is an entry in ClinVar:

NM_000465.4(BARD1):c.2125C>T (p.Pro709Ser)

Gene: BARD1 (BRCA1 associated RING domain 1; minus strand). Cytogenetic location: 2q35.
Variant type: single nucleotide variant.
Coding change: c.2125C>T on transcript NM_000465.4 (MANE Select); coding-DNA position 2125, C replaced by T.
Protein change: p.Pro709Ser; replaces proline 709 with serine.
Molecular consequence: missense variant. On other transcripts: non-coding transcript variant (3).
Genome position (GRCh38, 1-based): chr2:214,728,885, G>A on the plus strand (C>T on the coding strand, the complement: BARD1 is on the minus strand). VCF-style: chr2-214728885-G-A. GRCh37 (hg19) VCF-style: chr2-215593609-G-A.
Other names: c.2068C>T, p.Pro690Ser (NM_001282543.2); c.772C>T, p.Pro258Ser (NM_001282545.2); c.715C>T, p.Pro239Ser (NM_001282548.2); c.586C>T, p.Pro196Ser (NM_001282549.2); c.2125C>T (NM_000465.2); short protein forms P709S, P690S, P239S, P258S, P196S.
Identifiers: ClinVar variation 584629 (VCV000584629.18), dbSNP rs1040231633, ClinGen allele CA64792855.

ClinVar aggregate classification (germline): Uncertain significance. Review status: criteria provided, multiple submitters, no conflicts (2 of 4 stars). 4 submissions from 4 submitters: Uncertain significance (4). Last evaluated 2023-12-05.

Conditions:
Hereditary cancer-predisposing syndrome. Also called: Neoplastic Syndromes, Hereditary; Hereditary Cancer Syndrome; Tumor predisposition; Hereditary neoplastic syndrome. Identifiers: Orphanet 140162, MedGen C0027672, MeSH D009386, MONDO:0015356.
Familial cancer of breast. Also called: Hereditary breast cancer; hereditary breast carcinoma; BREAST CANCER, FAMILIAL. Identifiers: Orphanet 227535, MedGen C0346153, MONDO:0016419, OMIM 114480. Disease mechanism: loss of function.

Allele frequency attached by ClinVar (database versions not stated): TOPMed 0.00001; gnomAD exomes 0.00002.
gnomAD v4.1: 25 of 1,614,176 alleles (0.0015%); highest among the groups gnomAD compares: Non-Finnish European, 0.0021%; no homozygotes.

Submissions (4):

Color Diagnostics, LLC DBA Color Health
Classification: Uncertain significance for Hereditary cancer-predisposing syndrome. Last evaluated: 2023-12-05. Review status: criteria provided, single submitter. Criteria: ACMG Guidelines, 2015. Collection method: clinical testing. Allele origin: germline.
Comment: This missense variant replaces proline with serine at codon 709 of the BARD1 protein. Computational prediction suggests that this variant may not impact protein structure and function (internally defined REVEL score threshold <= 0.5, PMID: 27666373). To our knowledge, functional studies have not been reported for this variant. This variant has not been reported in individuals affected with BARD1-related disorders in the literature. This variant has not been identified in the general population by the Genome Aggregation Database (gnomAD). The available evidence is insufficient to determine the role of this variant in disease conclusively. Therefore, this variant is classified as a Variant of Uncertain Significance.

Labcorp Genetics (formerly Invitae), Labcorp
Classification: Uncertain significance for Familial cancer of breast. Last evaluated: 2023-11-20. Review status: criteria provided, single submitter. Criteria: Invitae Variant Classification Sherloc (09022015). Collection method: clinical testing. Allele origin: germline.
Comment: This sequence change replaces proline, which is neutral and non-polar, with serine, which is neutral and polar, at codon 709 of the BARD1 protein (p.Pro709Ser). This variant is not present in population databases (gnomAD no frequency). This missense change has been observed in individual(s) with breast cancer (PMID: 35264596). ClinVar contains an entry for this variant (Variation ID: 584629). An algorithm developed to predict the effect of missense changes on protein structure and function (PolyPhen-2) suggests that this variant is likely to be disruptive. In summary, the available evidence is currently insufficient to determine the role of this variant in disease. Therefore, it has been classified as a Variant of Uncertain Significance.

Ambry Genetics
Classification: Uncertain significance for Hereditary cancer-predisposing syndrome. Last evaluated: 2023-10-11. Review status: criteria provided, single submitter. Criteria: Ambry Variant Classification Scheme 2023. Collection method: clinical testing. Allele origin: germline.
Comment: The p.P709S variant (also known as c.2125C>T), located in coding exon 11 of the BARD1 gene, results from a C to T substitution at nucleotide position 2125. The proline at codon 709 is replaced by serine, an amino acid with similar properties. This alteration was detected in a cohort of 1663 Brazilian breast cancer patients who underwent hereditary multigene panel testing (Guindalini RSC et al. Sci Rep, 2022 Mar;12:4190). This amino acid position is highly conserved in available vertebrate species. In addition, this alteration is predicted to be tolerated by in silico analysis. Since supporting evidence is limited at this time, the clinical significance of this alteration remains unclear.

Mendelics
Classification: Uncertain significance for Familial cancer of breast. Last evaluated: 2018-07-02. Review status: criteria provided, single submitter. Criteria: Mendelics Assertion Criteria 2017. Collection method: clinical testing. Allele origin: unknown.

Literature cited by the submitters: PubMed 35264596 (cited by Labcorp Genetics (formerly Invitae), Labcorp and Ambry Genetics).